The following is an entry in ClinVar:

NM_018972.4(GDAP1):c.*797A>G

Gene: GDAP1 (ganglioside induced differentiation associated protein 1; plus strand). Cytogenetic location: 8q21.11.
Variant type: single nucleotide variant.
Coding change: c.*797A>G on transcript NM_018972.4 (MANE Select); 797 bases downstream of the stop codon, A replaced by G.
Molecular consequence: 3 prime UTR variant. On other transcripts: intron variant (1).
Genome position (GRCh38, 1-based): chr8:74,365,164, A>G. VCF-style: chr8-74365164-A-G. GRCh37 (hg19) VCF-style: chr8-75277399-A-G.
Other names: c.*797A>G (NM_001040875.4, NM_001362929.2, NM_001362930.2 and 1 more transcripts); c.694+2111A>G (NM_001362931.2).
Identifiers: ClinVar variation 363727 (VCV000363727.6), dbSNP rs7007283, ClinGen allele CA4785279.

ClinVar aggregate classification (germline): Benign. Review status: criteria provided, multiple submitters, no conflicts (2 of 4 stars). 3 submissions from 2 submitters: Benign (3). Last evaluated 2018-01-13.

Conditions:
Charcot-Marie-Tooth disease, axonal, with vocal cord paresis, autosomal recessive. Also called: CHARCOT-MARIE-TOOTH DISEASE, TYPE 4A, AXONAL FORM; CHARCOT-MARIE-TOOTH NEUROPATHY, AXONAL, WITH VOCAL CORD PARESIS, AUTOSOMAL RECESSIVE; CMT2 WITH VOCAL CORD PARESIS, AUTOSOMAL RECESSIVE. Identifiers: Orphanet 101097, MedGen C1843183, MONDO:0011898, OMIM 607706.
Charcot-Marie-Tooth disease recessive intermediate A (CMTRIA). Also called: CHARCOT-MARIE-TOOTH NEUROPATHY, RECESSIVE INTERMEDIATE A. Identifiers: Orphanet 217055, MedGen C1842197, MONDO:0012014, OMIM 608340.

Allele frequency attached by ClinVar (database versions not stated): ExAC 0.98756; 1000 Genomes Project 30x 0.98969; 1000 Genomes Project 0.98982; TOPMed 0.99327; gnomAD 0.99369 and 0.99395; gnomAD exomes 0.99502 and 0.99520.
gnomAD v4.1: 451,730 of 454,124 alleles (99%); highest among the groups gnomAD compares: East Asian, 100%; 224,705 homozygotes.

Submissions (3):

Illumina Laboratory Services, Illumina
Classification: Benign for Charcot-Marie-Tooth disease, axonal, with vocal cord paresis, autosomal recessive. Last evaluated: 2018-01-13. Review status: criteria provided, single submitter. Criteria: ICSL Variant Classification Criteria 13 December 2019. Collection method: clinical testing. Allele origin: germline.
Comment: This variant was observed in the ICSL laboratory as part of a predisposition screen in an ostensibly healthy population. It had not been previously curated by ICSL or reported in the Human Gene Mutation Database (HGMD: prior to June 1st, 2018), and was therefore a candidate for classification through an automated scoring system. Utilizing variant allele frequency, disease prevalence and penetrance estimates, and inheritance mode, an automated score was calculated to assess if this variant is too frequent to cause the disease. Based on the score and internal cut-off values, a variant classified as benign is not then subjected to further curation. The score for this variant resulted in a classification of benign for this disease.

Illumina Laboratory Services, Illumina
Classification: Benign for Charcot-Marie-Tooth disease recessive intermediate A. Last evaluated: 2018-01-13. Review status: criteria provided, single submitter. Criteria: ICSL Variant Classification Criteria 13 December 2019. Collection method: clinical testing. Allele origin: germline.
Comment: the same text as in the submission from Illumina Laboratory Services, Illumina above.

Breakthrough Genomics
Classification: Benign. Review status: criteria provided, single submitter. Criteria: ACMG Guidelines, 2015. Collection method: not provided. Allele origin: germline. Inheritance: Autosomal recessive inheritance. Affected: yes.